The following is an entry in ClinVar:

NM_013266.4(CTNNA3):c.2354_2356del (p.Val785_Lys786delinsGlu)

Gene: CTNNA3 (catenin alpha 3; minus strand). Cytogenetic location: 10q21.3.
Variant type: Deletion.
Coding change: c.2354_2356del on transcript NM_013266.4 (MANE Select); coding-DNA positions 2354 to 2356, 3 bases deleted (TTA; older notation c.2354_2356delTTA).
Protein change: p.Val785_Lys786delinsGlu.
Molecular consequence: inframe indel.
Genome position (GRCh38, 1-based): chr10:65,966,656-65,966,658, TAA deleted on the plus strand (TTA on the coding strand, the reverse complement: CTNNA3 is on the minus strand). VCF-style (leftmost placement, unchanged base first): chr10-65966655-TTAA-T. GRCh37 (hg19) VCF-style: chr10-67726413-TTAA-T.
Other names: c.2354_2356del, p.Val785_Lys786delinsGlu (NM_001127384.3).
Identifiers: ClinVar variation 4715731 (VCV004715731.1).
Genomic context (GRCh38, chr10:65,966,655, plus strand): 5'-TGCTAGGCAGTACTCACAGCTGACATGATGAGCTCTCCTCCCAGGTTCTGGATCTCAGCT[TTAA>T]CTTGACTGCAGATTTTCAGTTGGTGGGAGTAGAACTTAATCTGTTCCAGGTAGGCCAACA-3'

ClinVar aggregate classification (germline): Uncertain significance (1 of 4 stars; one submission).

Conditions:
Arrhythmogenic right ventricular dysplasia 13. Also called: Arrhythmogenic right ventricular dysplasia, familial, 13; ARRHYTHMOGENIC RIGHT VENTRICULAR CARDIOMYOPATHY 13. Identifiers: MedGen C3810138, MONDO:0000908, OMIM 615616.

Submission:

Labcorp Genetics (formerly Invitae), Labcorp
Classification: Uncertain significance for Arrhythmogenic right ventricular dysplasia 13. Last evaluated: 2025-03-23. Review status: criteria provided, single submitter. Criteria: Invitae Variant Classification Sherloc (09022015). Collection method: clinical testing. Allele origin: germline.
Comment: This variant, c.2354_2356del, is a complex sequence change that results in the deletion of 2 and insertion of 1 amino acid(s) in the CTNNA3 protein (p.Val785_Lys786delinsGlu). This variant is not present in population databases (gnomAD no frequency). This variant has not been reported in the literature in individuals affected with CTNNA3-related conditions. Experimental studies and prediction algorithms are not available or were not evaluated, and the functional significance of this variant is currently unknown. In summary, the available evidence is currently insufficient to determine the role of this variant in disease. Therefore, it has been classified as a Variant of Uncertain Significance.